The following is an entry in ClinVar:

ClinVar aggregate classification (germline): Uncertain significance (0 of 4 stars; one submission).

Conditions:
SHANK2-related disorder.

Submission:

PreventionGenetics, part of Exact Sciences
Classification: Uncertain significance for SHANK2-related condition. Last evaluated: 2024-08-06. Review status: no assertion criteria provided. Collection method: clinical testing. Allele origin: germline.
Comment: The SHANK2 c.1681G>C variant is predicted to result in the amino acid substitution p.Gly561Arg. This variant is pre-coding in an alternative transcript (NM_133266). To our knowledge, this variant has not been reported in the literature or in a large population database, indicating this variant is rare. At this time, the clinical significance of this variant is uncertain due to the absence of conclusive functional and genetic evidence.

NM_012309.5(SHANK2):c.1681G>C (p.Gly561Arg)

Gene: SHANK2 (SH3 and multiple ankyrin repeat domains 2; minus strand). Cytogenetic location: 11q13.4.
Variant type: single nucleotide variant.
Coding change: c.1681G>C on transcript NM_012309.5 (MANE Select); coding-DNA position 1681, G replaced by C.
Protein change: p.Gly561Arg; replaces glycine 561 with arginine.
Molecular consequence: missense variant.
Genome position (GRCh38, 1-based): chr11:70,798,539, C>G on the plus strand (G>C on the coding strand, the complement: SHANK2 is on the minus strand). VCF-style: chr11-70798539-C-G. GRCh37 (hg19) VCF-style: chr11-70644644-C-G.
Other names: c.544G>C, p.Gly182Arg (NM_001379226.1); short protein forms G182R, G561R.
Identifiers: ClinVar variation 3344363 (VCV003344363.1).